The following is an entry in ClinVar:

NM_001077653.2(TBX20):c.381-21CT[9]

Gene: TBX20 (T-box transcription factor 20; minus strand). Cytogenetic location: 7p14.2.
Variant type: Microsatellite.
Coding change: c.381-21CT[9] on transcript NM_001077653.2 (MANE Select); nine copies in a row of the 2-base unit CT starting at c.381-21; the reference has eight copies in a row; one copy, 2 bases duplicated.
Molecular consequence: intron variant.
Genome position (GRCh38, 1-based): chr7:35,248,847-35,248,848, AG duplicated on the plus strand (CT on the coding strand, the reverse complement: TBX20 is on the minus strand); duplicating any 2 consecutive bases within chr7:35,248,847-35,248,863 gives the same sequence; the position shown is the placement nearest the transcript's 3' end. VCF-style (leftmost placement, unchanged base first): chr7-35248846-C-CAG. GRCh37 (hg19) VCF-style: chr7-35288458-C-CAG.
Other names: p.?; c.381-21CT[9] (NM_001166220.1); c.381-7_381-6dupCT (NM_001077653.2); c.381-7_381-6dup (NM_001077653.2).
Identifiers: ClinVar variation 1550222 (VCV001550222.12), dbSNP rs147314121, ClinGen allele CA4217517.

ClinVar aggregate classification (germline): Benign/Likely benign. Review status: criteria provided, multiple submitters, no conflicts (2 of 4 stars). 4 submissions from 4 submitters: Benign (1); Likely benign (2). 1 of the submissions does not count toward it. Last evaluated 2026-01-11.

Conditions:
TBX20-related disorder. Also called: TBX20-related condition.

Submissions (4):

Labcorp Genetics (formerly Invitae), Labcorp
Classification: Benign. Last evaluated: 2026-01-11. Review status: criteria provided, single submitter. Criteria: Invitae Variant Classification Sherloc (09022015). Collection method: clinical testing. Allele origin: germline.

Mayo Clinic Laboratories, Mayo Clinic
Classification: Likely benign. Last evaluated: 2025-06-12. Review status: criteria provided, single submitter. Criteria: ACMG Guidelines, 2015. Collection method: clinical testing. Allele origin: germline. Observed: 2 variant alleles.
Comment: BP4, BP7

Blueprint Genetics
Classification: Likely benign. Last evaluated: 2024-10-25. Review status: criteria provided, single submitter. Criteria: ACMG Guidelines, 2015. Collection method: clinical testing. Allele origin: germline.

PreventionGenetics, part of Exact Sciences
Classification: Likely benign for TBX20-related condition. Last evaluated: 2021-08-20. Review status: no assertion criteria provided. Collection method: clinical testing. Allele origin: germline. Not counted in ClinVar's aggregate classification.
Comment: This variant is classified as likely benign based on ACMG/AMP sequence variant interpretation guidelines (Richards et al. 2015 PMID: 25741868, with internal and published modifications).